The following is an entry in ClinVar:

ClinVar aggregate classification (germline): Uncertain significance. Review status: criteria provided, multiple submitters, no conflicts (2 of 4 stars). 3 submissions from 3 submitters: Uncertain significance (3). Last evaluated 2025-12-23.

Conditions:
Plasminogen deficiency, type I. Also called: Hypoplasminogenemia; Type 1 plasminogen deficiency. Identifiers: Orphanet 722, MedGen C1968804, MONDO:0009009, OMIM 217090.
Angioedema, hereditary, 4. Identifiers: MedGen C5543503, MONDO:0025712, OMIM 619360.

Allele frequency attached by ClinVar (database versions not stated): gnomAD exomes 0.00001 and 0.00003; ExAC 0.00006; gnomAD 0.00007 and 0.00008; TOPMed 0.00008; ESP Exome Variant Server 0.00023.
gnomAD v4.1: 33 of 1,613,768 alleles (0.002%); highest among the groups gnomAD compares: African/African-American, 0.023%; no homozygotes.

Submissions (3):

Labcorp Genetics (formerly Invitae), Labcorp
Classification: Uncertain significance. Last evaluated: 2025-12-23. Review status: criteria provided, single submitter. Criteria: Invitae Variant Classification Sherloc (09022015). Collection method: clinical testing. Allele origin: germline.
Comment: This sequence change replaces lysine, which is basic and polar, with glutamine, which is neutral and polar, at codon 39 of the PLG protein (p.Lys39Gln). This variant is present in population databases (rs138353396, gnomAD 0.03%). This variant has not been reported in the literature in individuals affected with PLG-related conditions. ClinVar contains an entry for this variant (Variation ID: 1162997). Invitae Evidence Modeling of protein sequence and biophysical properties (such as structural, functional, and spatial information, amino acid conservation, physicochemical variation, residue mobility, and thermodynamic stability) indicates that this missense variant is not expected to disrupt PLG protein function with a negative predictive value of 95%. In summary, the available evidence is currently insufficient to determine the role of this variant in disease. Therefore, it has been classified as a Variant of Uncertain Significance.

Fulgent Genetics
Classification: Uncertain significance for Plasminogen deficiency, type I; Angioedema, hereditary, 4. Last evaluated: 2024-01-09. Review status: criteria provided, single submitter. Criteria: ACMG Guidelines, 2015. Collection method: clinical testing. Allele origin: germline.

Mayo Clinic Laboratories, Mayo Clinic
Classification: Uncertain significance. Last evaluated: 2019-04-07. Review status: criteria provided, single submitter. Criteria: ACMG Guidelines, 2015. Collection method: clinical testing. Allele origin: germline. Observed: 1 variant allele.

NM_000301.5(PLG):c.115A>C (p.Lys39Gln)

Gene: PLG (plasminogen; plus strand). Cytogenetic location: 6q26.
Variant type: single nucleotide variant.
Coding change: c.115A>C on transcript NM_000301.5 (MANE Select); coding-DNA position 115, A replaced by C.
Protein change: p.Lys39Gln; replaces lysine 39 with glutamine.
Molecular consequence: missense variant.
Genome position (GRCh38, 1-based): chr6:160,706,472, A>C. VCF-style: chr6-160706472-A-C. GRCh37 (hg19) VCF-style: chr6-161127504-A-C.
Other names: c.115A>C, p.Lys39Gln (NM_001168338.1); short protein forms K39Q.
Identifiers: ClinVar variation 1162997 (VCV001162997.11), dbSNP rs138353396, ClinGen allele CA4087302.